The following is an entry in ClinVar:

ClinVar aggregate classification (germline): Uncertain significance (1 of 4 stars; one submission).

Conditions:
Neuromuscular disease caused by qualitative or quantitative defects of dysferlin. Also called: Qualitative or quantitative defects of dysferlin; Dysferlinopathy. Identifiers: Orphanet 207073, MedGen C2931687, MONDO:0016145.

Allele frequency attached by ClinVar (database versions not stated): gnomAD exomes below 0.00001; gnomAD 0.00001; TOPMed 0.00001.
gnomAD v4.1: 2 of 1,614,002 alleles (0.00012%); highest among the groups gnomAD compares: African/African-American, 0.0027%; no homozygotes.

Submission:

Labcorp Genetics (formerly Invitae), Labcorp
Classification: Uncertain significance for Neuromuscular disease caused by qualitative or quantitative defects of dysferlin. Last evaluated: 2021-08-31. Review status: criteria provided, single submitter. Criteria: Invitae Variant Classification Sherloc (09022015). Collection method: clinical testing. Allele origin: germline.
Comment: This sequence change replaces serine with phenylalanine at codon 63 of the DYSF protein (p.Ser63Phe). The serine residue is moderately conserved and there is a large physicochemical difference between serine and phenylalanine. This variant is not present in population databases (ExAC no frequency). This variant has not been reported in the literature in individuals affected with DYSF-related conditions. Advanced modeling of protein sequence and biophysical properties (such as structural, functional, and spatial information, amino acid conservation, physicochemical variation, residue mobility, and thermodynamic stability) performed at Invitae indicates that this missense variant is not expected to disrupt DYSF protein function. In summary, the available evidence is currently insufficient to determine the role of this variant in disease. Therefore, it has been classified as a Variant of Uncertain Significance.

NM_001130987.2(DYSF):c.191C>T (p.Ser64Phe)

Gene: DYSF (dysferlin; plus strand). Cytogenetic location: 2p13.2.
Variant type: single nucleotide variant.
Coding change: c.191C>T on transcript NM_001130987.2 (MANE Select); coding-DNA position 191, C replaced by T.
Protein change: p.Ser64Phe; replaces serine 64 with phenylalanine.
Molecular consequence: missense variant.
Genome position (GRCh38, 1-based): chr2:71,481,922, C>T. VCF-style: chr2-71481922-C-T. GRCh37 (hg19) VCF-style: chr2-71709052-C-T.
Other names: c.191C>T, p.Ser64Phe (NM_001130455.2, NM_001130982.2, NM_001130983.2 and 3 more transcripts); c.188C>T, p.Ser63Phe (NM_001130976.2, NM_001130977.2, NM_001130978.2 and 4 more transcripts); short protein forms S64F, S63F.
Identifiers: ClinVar variation 1362667 (VCV001362667.5), dbSNP rs1224444546, ClinGen allele CA347216391.